The following is an entry in ClinVar:

ClinVar aggregate classification (germline): Likely benign (1 of 4 stars; one submission).

gnomAD v4.1: 23 of 1,209,205 alleles (0.0019%); highest among the groups gnomAD compares: Middle Eastern, 0.023%; no homozygotes.

Submission:

CeGaT Center for Human Genetics Tuebingen
Classification: Likely benign. Last evaluated: 2024-07-01. Review status: criteria provided, single submitter. Criteria: CeGaT Center For Human Genetics Tuebingen Variant Classification Criteria Version 2. Collection method: clinical testing. Allele origin: germline. Affected: yes. Observed: 1 variant allele.
Comment: ARR3: BS2

NM_004312.3(ARR3):c.1015G>A (p.Asp339Asn)

Gene: ARR3 (arrestin 3; plus strand). Cytogenetic location: Xq13.1.
Variant type: single nucleotide variant.
Coding change: c.1015G>A on transcript NM_004312.3 (MANE Select); coding-DNA position 1015, G replaced by A.
Protein change: p.Asp339Asn; replaces aspartic acid 339 with asparagine.
Molecular consequence: missense variant.
Genome position (GRCh38, 1-based): chrX:70,280,767, G>A. VCF-style: chrX-70280767-G-A. GRCh37 (hg19) VCF-style: chrX-69500617-G-A.
Other names: short protein forms D339N.
Identifiers: ClinVar variation 3341565 (VCV003341565.16).